The following is an entry in ClinVar:

NM_000492.4(CFTR):c.1343T>C (p.Ile448Thr)

Genes: CFTR (CF transmembrane conductance regulator; plus strand), CFTR-AS1 (CFTR antisense RNA 1; minus strand). Cytogenetic location: 7q31.2.
Variant type: single nucleotide variant.
Coding change: c.1343T>C on transcript NM_000492.4 (MANE Select); coding-DNA position 1343, T replaced by C.
Protein change: p.Ile448Thr; replaces isoleucine 448 with threonine.
Molecular consequence: missense variant.
Genome position (GRCh38, 1-based): chr7:117,548,774, T>C. VCF-style: chr7-117548774-T-C. GRCh37 (hg19) VCF-style: chr7-117188828-T-C.
Other names: short protein forms I448T.
Identifiers: ClinVar variation 526015 (VCV000526015.10), dbSNP rs748642635, ClinGen allele CA368982204.

ClinVar aggregate classification (germline): Uncertain significance. Review status: criteria provided, multiple submitters, no conflicts (2 of 4 stars). 4 submissions from 4 submitters: Uncertain significance (3). 1 of the submissions does not count toward it. Last evaluated 2021-09-05.

Conditions:
Cystic fibrosis (CF). Also called: MUCOVISCIDOSIS. Identifiers: Orphanet 586, MedGen C0010674, MONDO:0009061, OMIM 219700. Disease mechanism: loss of function.

Allele frequency attached by ClinVar (database versions not stated): gnomAD exomes below 0.00001 and 0.00001; TOPMed 0.00002; gnomAD 0.00001.
gnomAD v4.1: 5 of 1,612,654 alleles (0.00031%); highest among the groups gnomAD compares: African/African-American, 0.004%; no homozygotes.

Submissions (4):

Genome-Nilou Lab
Classification: Uncertain significance for Cystic fibrosis. Last evaluated: 2021-09-05. Review status: criteria provided, single submitter. Criteria: ACMG Guidelines, 2015. Collection method: clinical testing. Allele origin: germline. Affected: no.

Labcorp Genetics (formerly Invitae), Labcorp
Classification: Uncertain significance for Cystic fibrosis. Last evaluated: 2021-09-01. Review status: criteria provided, single submitter. Criteria: Invitae Variant Classification Sherloc (09022015). Collection method: clinical testing. Allele origin: germline.
Comment: This sequence change replaces isoleucine with threonine at codon 448 of the CFTR protein (p.Ile448Thr). The isoleucine residue is moderately conserved and there is a moderate physicochemical difference between isoleucine and threonine. This variant is not present in population databases (ExAC no frequency). This variant has not been reported in the literature in individuals affected with CFTR-related conditions. Algorithms developed to predict the effect of missense changes on protein structure and function (SIFT, PolyPhen-2, Align-GVGD) all suggest that this variant is likely to be tolerated. In summary, the available evidence is currently insufficient to determine the role of this variant in disease. Therefore, it has been classified as a Variant of Uncertain Significance.

Women's Health and Genetics/Laboratory Corporation of America, LabCorp
Classification: Uncertain significance. Last evaluated: 2018-02-05. Review status: criteria provided, single submitter. Criteria: LabCorp Variant Classification Summary - May 2015. Collection method: clinical testing. Allele origin: germline.
Comment: Variant summary: CFTR c.1343T>C (p.Ile448Thr) results in a non-conservative amino acid change in the encoded protein sequence. Five of five in-silico tools predict a damaging effect of the variant on protein function. However, these predictions have yet to be functionally assessed. The variant allele was found at a frequency of 8.4e-06 in 239104 control chromosomes (gnomAD). This frequency is not significantly higher than expected for a pathogenic variant in CFTR causing Chronic Pancreatitis Risk (8.4e-06 vs 0.0063), allowing no conclusion about variant significance. To our knowledge, no occurrence of c.1343T>C in individuals affected with Chronic Pancreatitis Risk and no experimental evidence demonstrating its impact on protein function have been reported. No clinical diagnostic laboratories have submitted clinical-significance assessments for this variant to ClinVar after 2014. Based on the evidence outlined above, the variant was classified as uncertain significance.

Natera, Inc.
Classification: Uncertain significance for Cystic Fibrosis. Last evaluated: 2020-09-16. Review status: no assertion criteria provided. Collection method: clinical testing. Allele origin: germline. Not counted in ClinVar's aggregate classification.